The following is an entry in ClinVar:

ClinVar aggregate classification (germline): Uncertain significance. Review status: criteria provided, multiple submitters, no conflicts (2 of 4 stars). 2 submissions from 2 submitters: Uncertain significance (2). Last evaluated 2025-03-26.

Conditions:
Inborn genetic diseases. Identifiers: MedGen C0950123, MeSH D030342.

Allele frequency attached by ClinVar (database versions not stated): gnomAD 0.00001; TOPMed 0.00001; ExAC 0.00001; gnomAD exomes below 0.00001.
gnomAD v4.1: 6 of 1,613,758 alleles (0.00037%); highest among the groups gnomAD compares: Admixed American, 0.0067%; no homozygotes.

Submissions (2):

Ambry Genetics
Classification: Uncertain significance for Inborn genetic diseases. Last evaluated: 2025-03-26. Review status: criteria provided, single submitter. Criteria: Ambry Variant Classification Scheme 2023. Collection method: clinical testing. Allele origin: germline.

Labcorp Genetics (formerly Invitae), Labcorp
Classification: Uncertain significance. Last evaluated: 2022-06-13. Review status: criteria provided, single submitter. Criteria: Invitae Variant Classification Sherloc (09022015). Collection method: clinical testing. Allele origin: germline.
Comment: This sequence change replaces leucine, which is neutral and non-polar, with valine, which is neutral and non-polar, at codon 160 of the MYO18B protein (p.Leu160Val). This variant is present in population databases (rs749505285, gnomAD 0.003%). This variant has not been reported in the literature in individuals affected with MYO18B-related conditions. Algorithms developed to predict the effect of missense changes on protein structure and function are either unavailable or do not agree on the potential impact of this missense change (SIFT: "Not Available"; PolyPhen-2: "Probably Damaging"; Align-GVGD: "Not Available"). In summary, the available evidence is currently insufficient to determine the role of this variant in disease. Therefore, it has been classified as a Variant of Uncertain Significance.

NM_032608.7(MYO18B):c.478C>G (p.Leu160Val)

Gene: MYO18B (myosin XVIIIB; plus strand). Cytogenetic location: 22q12.1.
Variant type: single nucleotide variant.
Coding change: c.478C>G on transcript NM_032608.7 (MANE Select); coding-DNA position 478, C replaced by G.
Protein change: p.Leu160Val; replaces leucine 160 with valine.
Molecular consequence: missense variant.
Genome position (GRCh38, 1-based): chr22:25,768,394, C>G. VCF-style: chr22-25768394-C-G. GRCh37 (hg19) VCF-style: chr22-26164361-C-G.
Other names: c.478C>G, p.Leu160Val (NM_001318245.2); c.478C>G (NM_032608.5); short protein forms L160V.
Identifiers: ClinVar variation 1419954 (VCV001419954.7), dbSNP rs749505285, ClinGen allele CA10159599.